The following is an entry in ClinVar:

ClinVar aggregate classification (germline): Uncertain significance (1 of 4 stars; one submission).

Conditions:
Inborn genetic diseases. Identifiers: MedGen C0950123, MeSH D030342.

gnomAD v4.1: 41 of 1,613,982 alleles (0.0025%); highest among the groups gnomAD compares: Non-Finnish European, 0.0035%; no homozygotes.

Submission:

Ambry Genetics
Classification: Uncertain significance for Inborn genetic diseases. Last evaluated: 2024-12-12. Review status: criteria provided, single submitter. Criteria: Ambry Variant Classification Scheme 2023. Collection method: clinical testing. Allele origin: germline.
Comment: The p.V1164L variant (also known as c.3490G>T), located in coding exon 24 of the ANKRD26 gene, results from a G to T substitution at nucleotide position 3490. The valine at codon 1164 is replaced by leucine, an amino acid with highly similar properties. This amino acid position is conserved. In addition, this alteration is predicted to be tolerated by in silico analysis. Based on the available evidence, the clinical significance of this variant remains unclear.

NM_014915.3(ANKRD26):c.3490G>T (p.Val1164Leu)

Gene: ANKRD26 (ankyrin repeat domain containing 26; minus strand). Cytogenetic location: 10p12.1.
Variant type: single nucleotide variant.
Coding change: c.3490G>T on transcript NM_014915.3 (MANE Select); coding-DNA position 3490, G replaced by T.
Protein change: p.Val1164Leu; replaces valine 1164 with leucine.
Molecular consequence: missense variant.
Genome position (GRCh38, 1-based): chr10:27,034,960, C>A on the plus strand (G>T on the coding strand, the complement: ANKRD26 is on the minus strand). VCF-style: chr10-27034960-C-A. GRCh37 (hg19) VCF-style: chr10-27323889-C-A.
Other names: c.3487G>T, p.Val1163Leu (NM_001256053.2); short protein forms V1164L, V1163L.
Identifiers: ClinVar variation 3869236 (VCV003869236.1).